The following is an entry in ClinVar:

NM_003647.3(DGKE):c.818G>C (p.Arg273Pro)

Gene: DGKE (diacylglycerol kinase epsilon; plus strand). Cytogenetic location: 17q22.
Variant type: single nucleotide variant.
Coding change: c.818G>C on transcript NM_003647.3 (MANE Select); coding-DNA position 818, G replaced by C.
Protein change: p.Arg273Pro; replaces arginine 273 with proline.
Molecular consequence: missense variant.
Genome position (GRCh38, 1-based): chr17:56,847,995, G>C. VCF-style: chr17-56847995-G-C. GRCh37 (hg19) VCF-style: chr17-54925356-G-C.
Other names: short protein forms R273P.
Identifiers: ClinVar variation 50790 (VCV000050790.3), dbSNP rs312262695, ClinGen allele CA143789.

ClinVar aggregate classification (germline): Uncertain significance. Review status: criteria provided, single submitter (1 of 4 stars). 3 submissions from 3 submitters: Uncertain significance (1). 2 of the submissions do not count toward it. Last evaluated 2025-09-26.

Conditions:
Hemolytic uremic syndrome, atypical, susceptibility to, 7. Also called: AHUS, SUSCEPTIBILITY TO, 7. Identifiers: MedGen C3808620, MONDO:0100590.
Atypical hemolytic-uremic syndrome. Identifiers: Orphanet 2134, MedGen C2931788, MONDO:0016244.

Submissions (3):

Genomenon, Inc
Classification: Uncertain significance for Atypical hemolytic-uremic syndrome. Last evaluated: 2025-09-26. Review status: criteria provided, single submitter. Criteria: Genomenon Sequence Variant Interpretation Standards - Updated. Collection method: curation. Allele origin: germline. Affected: yes.
Comment: DGKE p.Arg273Pro (c.818G>C) is a missense variant that changes the amino acid at residue 273 from Arginine to Proline. This variant has been observed in at least one proband affected with atypical hemolytic-uremic syndrome (PMID:23542698). The variant was found to segregate with disease in at least one affected family (PMID:23542698). It is absent or not present at a significant frequency in gnomAD. In conclusion, we classify DGKE p.Arg273Pro (c.818G>C) as a variant of uncertain significance.

OMIM
Classification: risk factor for HEMOLYTIC UREMIC SYNDROME, ATYPICAL, SUSCEPTIBILITY TO, 7. Last evaluated: 2013-05-01. Review status: no assertion criteria provided. Collection method: literature only. Allele origin: germline. Not counted in ClinVar's aggregate classification.

Richard Lifton Laboratory, Yale University School of Medicine
Classification: Likely pathogenic for Atypical hemolytic uremic syndrome. Review status: no assertion criteria provided. Collection method: not provided. Allele origin: germline. Not counted in ClinVar's aggregate classification.
Comment: Autosomal recessive variant
ClinVar note: Converted during submission from probable-pathogenic to Likely pathogenic.

Literature cited by the submitters: PubMed 23542698 (cited by Genomenon, Inc and OMIM); PubMed 24747643 (cited by Richard Lifton Laboratory, Yale University School of Medicine).